The following is an entry in ClinVar:

NM_001103.4(ACTN2):c.877-3C>T

Gene: ACTN2 (actinin alpha 2; plus strand). Cytogenetic location: 1q43.
Variant type: single nucleotide variant.
Coding change: c.877-3C>T on transcript NM_001103.4 (MANE Select); 3 bases into the intron before coding-DNA position 877, C replaced by T.
Molecular consequence: intron variant.
Genome position (GRCh38, 1-based): chr1:236,739,299, C>T. VCF-style: chr1-236739299-C-T. GRCh37 (hg19) VCF-style: chr1-236902599-C-T.
Other names: c.253-3C>T (NM_001278344.2); c.877-3C>T (NM_001278343.2).
Identifiers: ClinVar variation 1011627 (VCV001011627.7), dbSNP rs1174167762, ClinGen allele CA733239727.

ClinVar aggregate classification (germline): Uncertain significance (1 of 4 stars; one submission).

Conditions:
Primary familial hypertrophic cardiomyopathy (HCM). Identifiers: Orphanet 99739, MedGen C0949658, MeSH D024741, MONDO:0024573. Inheritance: Various modes of inheritance.
Dilated cardiomyopathy 1AA (CMD1AA). Also called: Cardiomyopathy, dilated, 1AA, with or without LVNC; CARDIOMYOPATHY, DILATED, 1AA, WITH OR WITHOUT LEFT VENTRICULAR NONCOMPACTION; CARDIOMYOPATHY, FAMILIAL HYPERTROPHIC, 23, WITH OR WITHOUT LEFT VENTRICULAR NONCOMPACTION. Identifiers: Orphanet 154, MedGen C2677338, MONDO:0012808, OMIM 612158.

Allele frequency attached by ClinVar (database versions not stated): TOPMed below 0.00001.

Submission:

Labcorp Genetics (formerly Invitae), Labcorp
Classification: Uncertain significance for Primary familial hypertrophic cardiomyopathy; Dilated cardiomyopathy 1AA. Last evaluated: 2025-10-25. Review status: criteria provided, single submitter. Criteria: Invitae Variant Classification Sherloc (09022015). Collection method: clinical testing. Allele origin: germline.
Comment: This sequence change falls in intron 9 of the ACTN2 gene. It does not directly change the encoded amino acid sequence of the ACTN2 protein. It affects a nucleotide within the consensus splice site. This variant is not present in population databases (gnomAD no frequency). This variant has not been reported in the literature in individuals affected with ACTN2-related conditions. ClinVar contains an entry for this variant (Variation ID: 1011627). Variants that disrupt the consensus splice site are a relatively common cause of aberrant splicing (PMID: 17576681, 9536098). Algorithms developed to predict the effect of sequence changes on RNA splicing suggest that this variant is not likely to affect RNA splicing. In summary, the available evidence is currently insufficient to determine the role of this variant in disease. Therefore, it has been classified as a Variant of Uncertain Significance.

Literature cited by the submitters: PubMed 17576681; PubMed 9536098.